The following is an entry in ClinVar:

ClinVar aggregate classification (germline): Pathogenic (1 of 4 stars; one submission).

Conditions:
Legius syndrome. Identifiers: Orphanet 137605, MedGen C1969623, MONDO:0012669, OMIM 611431. Disease mechanism: loss of function.

Submission:

Labcorp Genetics (formerly Invitae), Labcorp
Classification: Pathogenic for Legius syndrome. Last evaluated: 2023-11-14. Review status: criteria provided, single submitter. Criteria: Invitae Variant Classification Sherloc (09022015). Collection method: clinical testing. Allele origin: germline.
Comment: This sequence change creates a premature translational stop signal (p.Ala409Leufs*15) in the SPRED1 gene. While this is not anticipated to result in nonsense mediated decay, it is expected to disrupt the last 36 amino acid(s) of the SPRED1 protein. This variant is not present in population databases (gnomAD no frequency). This variant has not been reported in the literature in individuals affected with SPRED1-related conditions. This variant disrupts a region of the SPRED1 protein in which other variant(s) (p.Cys418Alafs*6) have been determined to be pathogenic (PMID: 19920235). This suggests that this is a clinically significant region of the protein, and that variants that disrupt it are likely to be disease-causing. For these reasons, this variant has been classified as Pathogenic.

Literature cited by the submitters: PubMed 19920235.

NM_152594.3(SPRED1):c.1224del (p.Ala409fs)

Gene: SPRED1 (sprouty related EVH1 domain containing 1; plus strand). Cytogenetic location: 15q14.
Variant type: Deletion.
Coding change: c.1224del on transcript NM_152594.3 (MANE Select); coding-DNA position 1224, one base deleted (A; older notation c.1224delA).
Protein change: p.Ala409fs; shifts the reading frame from alanine 409.
Molecular consequence: frameshift variant.
Genome position (GRCh38, 1-based): chr15:38,351,553, A deleted. VCF-style (leftmost placement, unchanged base first): chr15-38351552-TA-T. GRCh37 (hg19) VCF-style: chr15-38643753-TA-T.
Other names: short protein forms A409fs.
Identifiers: ClinVar variation 2695762 (VCV002695762.3), dbSNP rs2542744343, ClinGen allele CA2697554337.